The following is an entry in ClinVar:

NM_182961.4(SYNE1):c.7261T>C (p.Trp2421Arg)

Gene: SYNE1 (spectrin repeat containing nuclear envelope protein 1; minus strand). Cytogenetic location: 6q25.2.
Variant type: single nucleotide variant.
Coding change: c.7261T>C on transcript NM_182961.4 (MANE Select); coding-DNA position 7261, T replaced by C.
Protein change: p.Trp2421Arg; replaces tryptophan 2421 with arginine.
Molecular consequence: missense variant.
Genome position (GRCh38, 1-based): chr6:152,398,708, A>G on the plus strand (T>C on the coding strand, the complement: SYNE1 is on the minus strand). VCF-style: chr6-152398708-A-G. GRCh37 (hg19) VCF-style: chr6-152719843-A-G.
Other names: c.7282T>C, p.Trp2428Arg (NM_033071.5); short protein forms W2421R, W2428R.
Identifiers: ClinVar variation 2199036 (VCV002199036.7), dbSNP rs765978097, ClinGen allele CA150196136.
Genomic context (GRCh38, chr6:152,398,708, plus strand): 5'-CTTTGCTGTCACCGGTGCGATCTGATGATTCTTTTGCTGCTGCCTTTGCTCCCAAAAACC[A>G]TTCTTGGAATTCCTGCATAGACTCTTTTGAAAGAAAAAATAAATAAATAAAAATAAAAAA-3'
Protein context (NP_892006.3, residues 2411-2431): FSESMQEFQE[Trp2421Arg]FLGAKAAAKE

ClinVar aggregate classification (germline): Uncertain significance. Review status: criteria provided, multiple submitters, no conflicts (2 of 4 stars). 2 submissions from 2 submitters: Uncertain significance (2). Last evaluated 2024-11-11.

Conditions:
Emery-Dreifuss muscular dystrophy 4, autosomal dominant (EDMD4). Also called: EMERY-DREIFUSS MUSCULAR DYSTROPHY 4 WITH VARIABLE FEATURES. Identifiers: Orphanet 261, MedGen C2751807, MONDO:0013071, OMIM 612998.
Autosomal recessive ataxia, Beauce type. Also called: Spinocerebellar ataxia, autosomal recessive 8; ATAXIA, RECESSIVE, OF BEAUCE; SYNE1-Related Autosomal Recessive Cerebellar Ataxia; SYNE1 Deficiency. Identifiers: Orphanet 88644, MedGen C1853116, MONDO:0012549, OMIM 610743.

Allele frequency attached by ClinVar (database versions not stated): gnomAD exomes below 0.00001; TOPMed below 0.00001; gnomAD 0.00001.
gnomAD v4.1: 4 of 1,613,830 alleles (0.00025%); highest among the groups gnomAD compares: Non-Finnish European, 0.00034%; no homozygotes.

Submissions (2):

Labcorp Genetics (formerly Invitae), Labcorp
Classification: Uncertain significance for Emery-Dreifuss muscular dystrophy 4, autosomal dominant; Autosomal recessive ataxia, Beauce type. Last evaluated: 2024-11-11. Review status: criteria provided, single submitter. Criteria: Invitae Variant Classification Sherloc (09022015). Collection method: clinical testing. Allele origin: germline.
Comment: This sequence change replaces tryptophan, which is neutral and slightly polar, with arginine, which is basic and polar, at codon 2428 of the SYNE1 protein (p.Trp2428Arg). This variant is present in population databases (rs765978097, gnomAD 0.0009%). This variant has not been reported in the literature in individuals affected with SYNE1-related conditions. ClinVar contains an entry for this variant (Variation ID: 2199036). An algorithm developed to predict the effect of missense changes on protein structure and function (PolyPhen-2) suggests that this variant is likely to be tolerated. In summary, the available evidence is currently insufficient to determine the role of this variant in disease. Therefore, it has been classified as a Variant of Uncertain Significance.

Revvity Omics, Revvity
Classification: Uncertain significance. Last evaluated: 2019-12-03. Review status: criteria provided, single submitter. Criteria: ACMG Guidelines, 2015. Collection method: clinical testing. Allele origin: germline.